The following is an entry in ClinVar:

ClinVar aggregate classification (germline): Likely benign. Review status: criteria provided, single submitter (1 of 4 stars). 2 submissions from 2 submitters: Likely benign (1). 1 of the submissions does not count toward it. Last evaluated 2024-06-01.

Conditions:
KLF11-related disorder. Also called: KLF11-related condition.

Allele frequency attached by ClinVar (database versions not stated): gnomAD 0.00001; TOPMed 0.00001; ExAC 0.00006; ESP Exome Variant Server 0.00015.
gnomAD v4.1: 31 of 1,613,952 alleles (0.0019%); highest among the groups gnomAD compares: South Asian, 0.0055%; no homozygotes.

Submissions (2):

Labcorp Genetics (formerly Invitae), Labcorp
Classification: Likely benign. Last evaluated: 2024-06-01. Review status: criteria provided, single submitter. Criteria: Invitae Variant Classification Sherloc (09022015). Collection method: clinical testing. Allele origin: germline.

PreventionGenetics, part of Exact Sciences
Classification: Likely benign for KLF11-related condition. Last evaluated: 2022-07-08. Review status: no assertion criteria provided. Collection method: clinical testing. Allele origin: germline. Not counted in ClinVar's aggregate classification.
Comment: This variant is classified as likely benign based on ACMG/AMP sequence variant interpretation guidelines (Richards et al. 2015 PMID: 25741868, with internal and published modifications).

NM_003597.5(KLF11):c.1083C>T (p.Ala361=)

Gene: KLF11 (KLF transcription factor 11; plus strand). Cytogenetic location: 2p25.1.
Variant type: single nucleotide variant.
Coding change: c.1083C>T on transcript NM_003597.5 (MANE Select); coding-DNA position 1083, C replaced by T.
Protein change: p.Ala361=; no amino-acid change (alanine 361 retained).
Molecular consequence: synonymous variant.
Genome position (GRCh38, 1-based): chr2:10,048,420, C>T. VCF-style: chr2-10048420-C-T. GRCh37 (hg19) VCF-style: chr2-10188547-C-T.
Other names: c.1032C>T, p.Ala344= (NM_001177716.2, NM_001177718.2).
Identifiers: ClinVar variation 3036810 (VCV003036810.4), dbSNP rs371102481, ClinGen allele CA1525679.